The following is an entry in ClinVar:

ClinVar aggregate classification (germline): Uncertain significance (1 of 4 stars; one submission).

gnomAD v4.1: 1 of 1,614,244 alleles (0.000062%); highest among the groups gnomAD compares: Non-Finnish European, 0.000085%; no homozygotes.

Submission:

Labcorp Genetics (formerly Invitae), Labcorp
Classification: Uncertain significance. Last evaluated: 2022-02-18. Review status: criteria provided, single submitter. Criteria: Invitae Variant Classification Sherloc (09022015). Collection method: clinical testing. Allele origin: germline.
Comment: In summary, the available evidence is currently insufficient to determine the role of this variant in disease. Therefore, it has been classified as a Variant of Uncertain Significance. Algorithms developed to predict the effect of missense changes on protein structure and function output the following: SIFT: "Tolerated"; PolyPhen-2: "Benign"; Align-GVGD: "Class C0". The serine amino acid residue is found in multiple mammalian species, which suggests that this missense change does not adversely affect protein function. This variant has not been reported in the literature in individuals affected with MYLK3-related conditions. This variant is not present in population databases (gnomAD no frequency). This sequence change replaces asparagine, which is neutral and polar, with serine, which is neutral and polar, at codon 33 of the MYLK3 protein (p.Asn33Ser).

NM_182493.3(MYLK3):c.98A>G (p.Asn33Ser)

Gene: MYLK3 (myosin light chain kinase 3; minus strand). Cytogenetic location: 16q11.2.
Variant type: single nucleotide variant.
Coding change: c.98A>G on transcript NM_182493.3 (MANE Select); coding-DNA position 98, A replaced by G.
Protein change: p.Asn33Ser; replaces asparagine 33 with serine.
Molecular consequence: missense variant. On other transcripts: intron variant (1).
Genome position (GRCh38, 1-based): chr16:46,748,096, T>C on the plus strand (A>G on the coding strand, the complement: MYLK3 is on the minus strand). VCF-style: chr16-46748096-T-C. GRCh37 (hg19) VCF-style: chr16-46782008-T-C.
Other names: c.-113-7949A>G (NM_001308301.1); short protein forms N33S.
Identifiers: ClinVar variation 1974274 (VCV001974274.5), dbSNP rs1285280741, ClinGen allele CA395799088.
Genomic context (GRCh38, chr16:46,748,096, plus strand): 5'-ATGCTCTGCAACTTCTCTGTGACATCTTCTTGGAAGTGCAGGAGCTGGTCCACCTTCTCG[T>C]TCAGCATGTTCAGCTTTGTGTCCATGGTTGTTAAGCAGGTCTTGCCCAACCCTGGCAGCC-3'
Protein context (NP_872299.2, residues 23-43): TTMDTKLNML[Asn33Ser]EKVDQLLHFQ